The following is an entry in ClinVar:

ClinVar aggregate classification (germline): Uncertain significance (1 of 4 stars; one submission).

Conditions:
X-linked agammaglobulinemia with growth hormone deficiency (IGHD3). Also called: ISOLATED GROWTH HORMONE DEFICIENCY, TYPE III, WITH AGAMMAGLOBULINEMIA; Isolated growth hormone deficiency type 3; Growth hormone deficiency with hypogammaglobulinemia; AGAMMAGLOBULINEMIA AND ISOLATED GROWTH HORMONE DEFICIENCY, X-LINKED; FLEISHER SYNDROME; HYPOGAMMAGLOBULINEMIA AND ISOLATED GROWTH HORMONE DEFICIENCY, X-LINKED. Identifiers: Orphanet 231692, Orphanet 631, MedGen C0472813, MONDO:0010615, OMIM 307200.

Submission:

Labcorp Genetics (formerly Invitae), Labcorp
Classification: Uncertain significance for X-linked agammaglobulinemia with growth hormone deficiency. Last evaluated: 2022-08-05. Review status: criteria provided, single submitter. Criteria: Invitae Variant Classification Sherloc (09022015). Collection method: clinical testing. Allele origin: germline.
Comment: This variant has not been reported in the literature in individuals affected with BTK-related conditions. Advanced modeling of protein sequence and biophysical properties (such as structural, functional, and spatial information, amino acid conservation, physicochemical variation, residue mobility, and thermodynamic stability) performed at Invitae indicates that this missense variant is expected to disrupt BTK protein function. In summary, the available evidence is currently insufficient to determine the role of this variant in disease. Therefore, it has been classified as a Variant of Uncertain Significance. This sequence change replaces histidine, which is basic and polar, with proline, which is neutral and non-polar, at codon 333 of the BTK protein (p.His333Pro). This variant is not present in population databases (gnomAD no frequency).

NM_000061.3(BTK):c.998A>C (p.His333Pro)

Gene: BTK (Bruton tyrosine kinase; minus strand). Cytogenetic location: Xq22.1.
Variant type: single nucleotide variant.
Coding change: c.998A>C on transcript NM_000061.3 (MANE Select); coding-DNA position 998, A replaced by C.
Protein change: p.His333Pro; replaces histidine 333 with proline.
Molecular consequence: missense variant.
Genome position (GRCh38, 1-based): chrX:101,358,414, T>G on the plus strand (A>C on the coding strand, the complement: BTK is on the minus strand). VCF-style: chrX-101358414-T-G. GRCh37 (hg19) VCF-style: chrX-100613402-T-G.
Other names: c.1100A>C, p.His367Pro (NM_001287344.2); c.998A>C, p.His333Pro (NM_001287345.2); short protein forms H333P, H367P.
Identifiers: ClinVar variation 1715189 (VCV001715189.6), dbSNP rs193922133, ClinGen allele CA413928481.